The following is an entry in ClinVar:

ClinVar aggregate classification (germline): Likely benign. Review status: criteria provided, multiple submitters, no conflicts (2 of 4 stars). 4 submissions from 4 submitters: Likely benign (4). Last evaluated 2025-08-13.

Conditions:
Cardiovascular phenotype. Identifiers: MedGen CN230736.
Cardiomyopathy (CMYO). Also called: Cardiomyopathies. Identifiers: Orphanet 167848, MedGen C0878544, MONDO:0004994, HP:0001638. Inheritance: Various modes of inheritance.
Hypertrophic cardiomyopathy. Also called: HYPERTROPHIC MYOCARDIOPATHY. Identifiers: Orphanet 217569, MedGen C0007194, MeSH D002312, MONDO:0005045, HP:0001639.

Allele frequency attached by ClinVar (database versions not stated): gnomAD exomes below 0.00001.
gnomAD v4.1: 3 of 1,613,988 alleles (0.00019%); highest among the groups gnomAD compares: Non-Finnish European, 0.00025%; no homozygotes.

Submissions (4):

Labcorp Genetics (formerly Invitae), Labcorp
Classification: Likely benign for Hypertrophic cardiomyopathy. Last evaluated: 2025-08-13. Review status: criteria provided, single submitter. Criteria: Invitae Variant Classification Sherloc (09022015). Collection method: clinical testing. Allele origin: germline.

CeGaT Center for Human Genetics Tuebingen
Classification: Likely benign. Last evaluated: 2025-07-01. Review status: criteria provided, single submitter. Criteria: CeGaT Center For Human Genetics Tuebingen Variant Classification Criteria Version 2. Collection method: clinical testing. Allele origin: germline. Affected: yes. Observed: 1 variant allele.
Comment: MYH7: BP4, BP7

Ambry Genetics
Classification: Likely benign for Cardiovascular phenotype. Last evaluated: 2024-11-12. Review status: criteria provided, single submitter. Criteria: Ambry Variant Classification Scheme 2023. Collection method: clinical testing. Allele origin: germline.

All of Us Research Program, National Institutes of Health
Classification: Likely benign for Cardiomyopathy. Last evaluated: 2023-03-23. Review status: criteria provided, single submitter. Criteria: ACMG Guidelines, 2015. Collection method: clinical testing. Allele origin: germline. Inheritance: Autosomal dominant inheritance. Observed: 1 variant allele, 1 heterozygote.
Comment: This study involves interpretation of variants in research participants for the purpose of population health screening. Participant phenotype was not available at the time of variant classification. Additional details can be found in publication PMID: 35346344, PMCID: PMC8962531

NM_000257.4(MYH7):c.867C>A (p.Ile289=)

Gene: MYH7 (myosin heavy chain 7; minus strand). Cytogenetic location: 14q11.2.
Variant type: single nucleotide variant.
Coding change: c.867C>A on transcript NM_000257.4 (MANE Select); coding-DNA position 867, C replaced by A.
Protein change: p.Ile289=; no amino-acid change (isoleucine 289 retained).
Molecular consequence: synonymous variant.
Genome position (GRCh38, 1-based): chr14:23,430,929, G>T on the plus strand (C>A on the coding strand, the complement: MYH7 is on the minus strand). VCF-style: chr14-23430929-G-T. GRCh37 (hg19) VCF-style: chr14-23900138-G-T.
Identifiers: ClinVar variation 1149095 (VCV001149095.19), dbSNP rs1490031800, ClinGen allele CA485626191.